The following is an entry in ClinVar:

NM_012472.6(DNAAF11):c.1271C>T (p.Ser424Leu)

Gene: DNAAF11 (dynein axonemal assembly factor 11; minus strand). Cytogenetic location: 8q24.22.
Variant type: single nucleotide variant.
Coding change: c.1271C>T on transcript NM_012472.6 (MANE Select); coding-DNA position 1271, C replaced by T.
Protein change: p.Ser424Leu; replaces serine 424 with leucine.
Molecular consequence: missense variant. On other transcripts: non-coding transcript variant (10).
Genome position (GRCh38, 1-based): chr8:132,572,436, G>A on the plus strand (C>T on the coding strand, the complement: DNAAF11 is on the minus strand). VCF-style: chr8-132572436-G-A. GRCh37 (hg19) VCF-style: chr8-133584684-G-A.
Other names: c.1211C>T, p.Ser404Leu (NM_001321961.2); c.1025C>T, p.Ser342Leu (NM_001321962.2); c.911C>T, p.Ser304Leu (NM_001321963.2, NM_001321964.2, NM_001321965.2); c.851C>T, p.Ser284Leu (NM_001321966.2); short protein forms S342L, S284L, S304L, S404L, S424L.
Identifiers: ClinVar variation 2042268 (VCV002042268.3), dbSNP rs2537459371, ClinGen allele CA372291949.

ClinVar aggregate classification (germline): Uncertain significance (1 of 4 stars; one submission).

Conditions:
Primary ciliary dyskinesia 19. Also called: CILIARY DYSKINESIA, PRIMARY, 19, WITH OR WITHOUT SITUS INVERSUS. Identifiers: Orphanet 244, MedGen C3543826, MONDO:0013979, OMIM 614935.

Allele frequency attached by ClinVar (database versions not stated): gnomAD exomes below 0.00001.
gnomAD v4.1: 2 of 1,612,294 alleles (0.00012%); highest among the groups gnomAD compares: Non-Finnish European, 0.00017%; no homozygotes.

Submission:

Labcorp Genetics (formerly Invitae), Labcorp
Classification: Uncertain significance for Primary ciliary dyskinesia 19. Last evaluated: 2022-08-15. Review status: criteria provided, single submitter. Criteria: Invitae Variant Classification Sherloc (09022015). Collection method: clinical testing. Allele origin: germline.
Comment: This variant has not been reported in the literature in individuals affected with LRRC6-related conditions. This variant is not present in population databases (gnomAD no frequency). This sequence change replaces serine, which is neutral and polar, with leucine, which is neutral and non-polar, at codon 424 of the LRRC6 protein (p.Ser424Leu). Algorithms developed to predict the effect of missense changes on protein structure and function are either unavailable or do not agree on the potential impact of this missense change (SIFT: "Deleterious"; PolyPhen-2: "Benign"; Align-GVGD: "Class C0"). In summary, the available evidence is currently insufficient to determine the role of this variant in disease. Therefore, it has been classified as a Variant of Uncertain Significance.